The following is an entry in ClinVar:

NM_030665.4(RAI1):c.2819G>C (p.Ser940Thr)

Gene: RAI1 (retinoic acid induced 1; plus strand). Cytogenetic location: 17p11.2.
Variant type: single nucleotide variant.
Coding change: c.2819G>C on transcript NM_030665.4 (MANE Select); coding-DNA position 2819, G replaced by C.
Protein change: p.Ser940Thr; replaces serine 940 with threonine.
Molecular consequence: missense variant.
Genome position (GRCh38, 1-based): chr17:17,795,767, G>C. VCF-style: chr17-17795767-G-C. GRCh37 (hg19) VCF-style: chr17-17699081-G-C.
Other names: short protein forms S940T.
Identifiers: ClinVar variation 2244910 (VCV002244910.3), dbSNP rs758034666, ClinGen allele CA8418614.

ClinVar aggregate classification (germline): Conflicting classifications of pathogenicity. Review status: criteria provided, conflicting classifications (1 of 4 stars). 2 submissions from 2 submitters: Uncertain significance (1); Likely benign (1). Last evaluated 2025-11-03.

Conditions:
Inborn genetic diseases. Identifiers: MedGen C0950123, MeSH D030342.

Allele frequency attached by ClinVar (database versions not stated): TOPMed below 0.00001; ExAC 0.00001; gnomAD exomes 0.00001.

Submissions (2):

Labcorp Genetics (formerly Invitae), Labcorp
Classification: Uncertain significance. Last evaluated: 2025-11-03. Review status: criteria provided, single submitter. Criteria: Invitae Variant Classification Sherloc (09022015). Collection method: clinical testing. Allele origin: germline.
Comment: This sequence change replaces serine, which is neutral and polar, with threonine, which is neutral and polar, at codon 940 of the RAI1 protein (p.Ser940Thr). This variant is present in population databases (rs758034666, gnomAD 0.006%). This variant has not been reported in the literature in individuals affected with RAI1-related conditions. ClinVar contains an entry for this variant (Variation ID: 2244910). Invitae Evidence Modeling of protein sequence and biophysical properties (such as structural, functional, and spatial information, amino acid conservation, physicochemical variation, residue mobility, and thermodynamic stability) indicates that this missense variant is not expected to disrupt RAI1 protein function with a negative predictive value of 80%. In summary, the available evidence is currently insufficient to determine the role of this variant in disease. Therefore, it has been classified as a Variant of Uncertain Significance.

Ambry Genetics
Classification: Likely benign for Inborn genetic diseases. Last evaluated: 2021-08-13. Review status: criteria provided, single submitter. Criteria: Ambry Variant Classification Scheme 2023. Collection method: clinical testing. Allele origin: germline.